The following is an entry in ClinVar:

ClinVar aggregate classification (germline): Likely benign. Review status: criteria provided, single submitter (1 of 4 stars). 2 submissions from 2 submitters: Likely benign (1). 1 of the submissions does not count toward it. Last evaluated 2024-09-10.

Conditions:
Hereditary diffuse gastric adenocarcinoma (HDGC). Also called: DIFFUSE GASTRIC AND LOBULAR BREAST CANCER SYNDROME. Identifiers: Orphanet 26106, MedGen C1708349, MONDO:0007648, OMIM 137215.

gnomAD v4.1: 2 of 1,606,422 alleles (0.00012%); highest among the groups gnomAD compares: Non-Finnish European, 0.00017%; no homozygotes.

Submissions (2):

Labcorp Genetics (formerly Invitae), Labcorp
Classification: Likely benign for Hereditary diffuse gastric adenocarcinoma. Last evaluated: 2024-09-10. Review status: criteria provided, single submitter. Criteria: Invitae Variant Classification Sherloc (09022015). Collection method: clinical testing. Allele origin: germline.

Department of Pathology and Laboratory Medicine, Sinai Health System
Classification: Uncertain significance. Review status: no assertion criteria provided. Collection method: clinical testing. Allele origin: unknown. Affected: yes. Study: The Canadian Open Genetics Repository (COGR). Not counted in ClinVar's aggregate classification.
Comment: CDH1, EXON3, c.387+13T>G, r.spl?, Heterozygous, Uncertain SignificancernThe CDH1 c.387+13T>G variant was not identified in the literature nor was it identified in the dbSNP and ClinVar databases. The variant was not identified in the following control databases: the Exome Aggregation Consortium (August 8th 2016), or the Genome Aggregation Database (Feb 27, 2017). The variant occurs outside of the splicing consensus sequence and 1 of 4 in silico or computational prediction software programs (SpliceSiteFinder, MaxEntScan, NNSPLICE, GeneSplicer) predict a greater than 10% difference in splicing; this is not very predictive of pathogenicity. In summary, based on the above information the clinical significance of this variant cannot be determined with certainty at this time. This variant is classified as a variant of uncertain significance. Assessment Date: 2019/07/29.

NM_004360.5(CDH1):c.387+13T>G

Gene: CDH1 (cadherin 1; plus strand). Cytogenetic location: 16q22.1.
Variant type: single nucleotide variant.
Coding change: c.387+13T>G on transcript NM_004360.5 (MANE Select); 13 bases into the intron after coding-DNA position 387, T replaced by G.
Molecular consequence: intron variant.
Genome position (GRCh38, 1-based): chr16:68,801,906, T>G. VCF-style: chr16-68801906-T-G. GRCh37 (hg19) VCF-style: chr16-68835809-T-G.
Other names: c.-1229+13T>G (NM_001317185.2); c.-1433+13T>G (NM_001317186.2); c.387+13T>G (NM_001317184.2).
Identifiers: ClinVar variation 1049896 (VCV001049896.4), dbSNP rs2152127104, ClinGen allele CA2499223639.